The following is an entry in ClinVar:

ClinVar aggregate classification (germline): Pathogenic (1 of 4 stars; one submission).

Submission:

Labcorp Genetics (formerly Invitae), Labcorp
Classification: Pathogenic. Last evaluated: 2022-03-12. Review status: criteria provided, single submitter. Criteria: Invitae Variant Classification Sherloc (09022015). Collection method: clinical testing. Allele origin: germline.
Comment: This sequence change results in a frameshift in the PHEX gene (p.Gly742Glufs*30). While this is not anticipated to result in nonsense mediated decay, it is expected to disrupt the last 8 amino acid(s) of the PHEX protein and extend the protein by 21 additional amino acid residues. This variant is not present in population databases (gnomAD no frequency). This variant has not been reported in the literature in individuals affected with PHEX-related conditions. This variant disrupts a region of the PHEX protein in which other variant(s) (p.Arg747*) have been determined to be pathogenic (PMID: 9199930, 9768674). This suggests that this is a clinically significant region of the protein, and that variants that disrupt it are likely to be disease-causing. For these reasons, this variant has been classified as Pathogenic.

Literature cited by the submitters: PubMed 9199930; PubMed 9768674.

NM_000444.6(PHEX):c.2223_2224dup (p.Gly742fs)

Genes: PHEX (phosphate regulating endopeptidase X-linked; plus strand), PTCHD1-AS (PTCHD1 and PHEX antisense RNA; minus strand). Cytogenetic location: Xp22.11.
Variant type: Microsatellite.
Coding change: c.2223_2224dup on transcript NM_000444.6 (MANE Select); coding-DNA positions 2223 to 2224, 2 bases duplicated (AG; older notation c.2223_2224dupAG).
Protein change: p.Gly742fs; shifts the reading frame from glycine 742.
Molecular consequence: frameshift variant. On other transcripts: 3 prime UTR variant (1).
Genome position (GRCh38, 1-based): chrX:22,247,926-22,247,927, AG duplicated; duplicating any 2 consecutive bases within chrX:22,247,924-22,247,927 gives the same sequence; the c. name uses the placement nearest the transcript's 3' end. VCF-style (leftmost placement, unchanged base first): chrX-22247923-C-CAG. GRCh37 (hg19) VCF-style: chrX-22266040-C-CAG.
Other names: c.*56AG[3] (NM_001282754.2); short protein forms G742fs.
Identifiers: ClinVar variation 2110023 (VCV002110023.4), dbSNP rs2518713954, ClinGen allele CA2580616909.